The following is an entry in ClinVar:

NM_144573.3:c.1216_1217insALU

Gene: NEXN (nexilin F-actin binding protein; plus strand).
Variant type: Insertion.
Identifiers: ClinVar variation 1751567 (VCV001751567.2).

ClinVar aggregate classification (germline): Uncertain significance (1 of 4 stars; one submission).

Conditions:
Cardiovascular phenotype. Identifiers: MedGen CN230736.

Submission:

Ambry Genetics
Classification: Uncertain significance for Cardiovascular phenotype. Last evaluated: 2021-12-09. Review status: criteria provided, single submitter. Criteria: Ambry Variant Classification Scheme 2023. Collection method: clinical testing. Allele origin: germline.
Comment: The c.1216_1217insAlu variant results from the insertion of an Alu element between nucleotides 1216 and 1217 in coding exon 10 of the NEXN gene. Mobile element insertions contribute to pathogenicity by either disrupting the coding sequence or inducing aberrant splicing (Belancio VP et al. Semin. Cancer Biol. 2010 Aug;20:200-10; Deininger P et al. Genome Biol. 2011 Dec;12:236; van der Klift HM Hum Mutat. 2012 Jul;33(7):1051-5). However, loss of function of NEXN has not been clearly established as a mechanism of disease. Since supporting evidence is limited at this time, the clinical significance of this alteration remains unclear.